The following is an entry in ClinVar:

ClinVar aggregate classification (germline): Uncertain significance (1 of 4 stars; one submission).

Conditions:
Rhabdomyolysis, susceptibility to, 2. Identifiers: MedGen C6012738, MONDO:0980721, OMIM 621236.
Keratosis follicularis (DAR). Also called: Darier disease; Darier's disease. Identifiers: Orphanet 218, MedGen C0022595, MONDO:0007417, OMIM 124200.
Acrokeratosis verruciformis of Hopf (AKV). Also called: HOPF DISEASE; Acrokeratosis verruciformis. Identifiers: Orphanet 79151, MedGen C0265971, MONDO:0007048, OMIM 101900.

gnomAD v4.1: 12 of 1,614,190 alleles (0.00074%); highest among the groups gnomAD compares: East Asian, 0.02%; no homozygotes.

Submission:

Juno Genomics, Hangzhou Juno Genomics, Inc
Classification: Uncertain significance for Rhabdomyolysis, susceptibility to, 2; Acrokeratosis verruciformis of Hopf; Keratosis follicularis. Review status: criteria provided, single submitter. Criteria: ACMG Guidelines, 2015. Collection method: clinical testing. Allele origin: germline.
Comment: Absent from controls (or at extremely low frequency if recessive) in Genome Aggregation Database.;Missense variant in a gene that has a low rate of benign missense variation.

NM_170665.4(ATP2A2):c.2798T>C (p.Val933Ala)

Gene: ATP2A2 (ATPase sarcoplasmic/endoplasmic reticulum Ca2+ transporting 2; plus strand). Cytogenetic location: 12q24.11.
Variant type: single nucleotide variant.
Coding change: c.2798T>C on transcript NM_170665.4 (MANE Select); coding-DNA position 2798, T replaced by C.
Protein change: p.Val933Ala; replaces valine 933 with alanine.
Molecular consequence: missense variant.
Genome position (GRCh38, 1-based): chr12:110,346,057, T>C. VCF-style: chr12-110346057-T-C. GRCh37 (hg19) VCF-style: chr12-110783862-T-C.
Other names: c.2693T>C, p.Val898Ala (NM_001413013.1); c.2798T>C, p.Val933Ala (NM_001413014.1, NM_001681.4); c.2423T>C, p.Val808Ala (NM_001413015.1); short protein forms V808A, V933A, V898A.
Identifiers: ClinVar variation 5005035 (VCV005005035.2).